The following is an entry in ClinVar:

ClinVar aggregate classification (germline): Conflicting classifications of pathogenicity. Review status: criteria provided, conflicting classifications (1 of 4 stars). 3 submissions from 3 submitters: Likely pathogenic (1); Uncertain significance (2). Last evaluated 2024-05-13.

Allele frequency attached by ClinVar (database versions not stated): gnomAD exomes below 0.00001; gnomAD 0.00001.
gnomAD v4.1: 10 of 1,612,308 alleles (0.00062%); highest among the groups gnomAD compares: Non-Finnish European, 0.00085%; no homozygotes.

Submissions (3):

Blueprint Genetics
Classification: Uncertain significance. Last evaluated: 2024-05-13. Review status: criteria provided, single submitter. Criteria: ACMG Guidelines, 2015. Collection method: clinical testing. Allele origin: germline.

Women's Health and Genetics/Laboratory Corporation of America, LabCorp
Classification: Uncertain significance. Last evaluated: 2024-04-24. Review status: criteria provided, single submitter. Criteria: LabCorp Variant Classification Summary - May 2015. Collection method: clinical testing. Allele origin: germline.
Comment: Variant summary: DYNC2H1 c.12483G>C (p.Trp4161Cys) results in a non-conservative amino acid change located in the Dynein heavy chain, C-terminal domain (IPR041228) of the encoded protein sequence. Three of five in-silico tools predict a benign effect of the variant on protein function. The variant allele was found at a frequency of 4e-06 in 248606 control chromosomes (gnomAD). The available data on variant occurrences in the general population are insufficient to allow any conclusion about variant significance. To our knowledge, no occurrence of c.12483G>C in individuals affected with Short-rib thoracic dysplasia and no experimental evidence demonstrating its impact on protein function have been reported. ClinVar contains an entry for this variant (Variation ID: 1191354). Based on the evidence outlined above, the variant was classified as uncertain significance.

GeneDx
Classification: Likely pathogenic. Last evaluated: 2019-12-02. Review status: criteria provided, single submitter. Criteria: GeneDx Variant Classification Process June 2021. Collection method: clinical testing. Allele origin: germline. Affected: yes.
Comment: Not observed at a significant frequency in large population cohorts (Lek et al., 2016); In silico analysis, which includes protein predictors and evolutionary conservation, supports a deleterious effect; Has not been previously published as pathogenic or benign to our knowledge

NM_001377.3(DYNC2H1):c.12462G>C (p.Trp4154Cys)

Gene: DYNC2H1 (dynein cytoplasmic 2 heavy chain 1; plus strand). Cytogenetic location: 11q22.3.
Variant type: single nucleotide variant.
Coding change: c.12462G>C on transcript NM_001377.3 (MANE Select); coding-DNA position 12462, G replaced by C.
Protein change: p.Trp4154Cys; replaces tryptophan 4154 with cysteine.
Molecular consequence: missense variant.
Genome position (GRCh38, 1-based): chr11:103,455,191, G>C. VCF-style: chr11-103455191-G-C. GRCh37 (hg19) VCF-style: chr11-103325919-G-C.
Other names: c.12483G>C, p.Trp4161Cys (NM_001080463.2); short protein forms W4154C, W4161C.
Identifiers: ClinVar variation 1191354 (VCV001191354.4), dbSNP rs1047872625, ClinGen allele CA382289434.